The following is an entry in ClinVar:

ClinVar aggregate classification (germline): Uncertain significance (1 of 4 stars; one submission).

Submission:

Labcorp Genetics (formerly Invitae), Labcorp
Classification: Uncertain significance. Last evaluated: 2023-05-31. Review status: criteria provided, single submitter. Criteria: Invitae Variant Classification Sherloc (09022015). Collection method: clinical testing. Allele origin: germline.
Comment: In summary, the available evidence is currently insufficient to determine the role of this variant in disease. Therefore, it has been classified as a Variant of Uncertain Significance. An algorithm developed to predict the effect of missense changes on protein structure and function (PolyPhen-2) suggests that this variant is likely to be disruptive. This sequence change replaces glycine, which is neutral and non-polar, with arginine, which is basic and polar, at codon 1673 of the ALPK3 protein (p.Gly1673Arg). This variant is not present in population databases (gnomAD no frequency). This variant has not been reported in the literature in individuals affected with ALPK3-related conditions. ClinVar contains an entry for this variant (Variation ID: 2107191).

NM_020778.5(ALPK3):c.4411G>C (p.Gly1471Arg)

Gene: ALPK3 (alpha kinase 3; plus strand). Cytogenetic location: 15q25.3.
Variant type: single nucleotide variant.
Coding change: c.4411G>C on transcript NM_020778.5 (MANE Select); coding-DNA position 4411, G replaced by C.
Protein change: p.Gly1471Arg; replaces glycine 1471 with arginine.
Molecular consequence: missense variant.
Genome position (GRCh38, 1-based): chr15:84,863,552, G>C. VCF-style: chr15-84863552-G-C. GRCh37 (hg19) VCF-style: chr15-85406783-G-C.
Other names: short protein forms G1471R.
Identifiers: ClinVar variation 2107191 (VCV002107191.4), dbSNP rs2505728342, ClinGen allele CA393363603.